The following is an entry in ClinVar:

NM_001199138.2(NLRC4):c.2533C>T (p.His845Tyr)

Gene: NLRC4 (NLR family CARD domain containing 4; minus strand). Cytogenetic location: 2p22.3.
Variant type: single nucleotide variant.
Coding change: c.2533C>T on transcript NM_001199138.2 (MANE Select); coding-DNA position 2533, C replaced by T.
Protein change: p.His845Tyr; replaces histidine 845 with tyrosine.
Molecular consequence: missense variant.
Genome position (GRCh38, 1-based): chr2:32,236,328, G>A on the plus strand (C>T on the coding strand, the complement: NLRC4 is on the minus strand). VCF-style: chr2-32236328-G-A. GRCh37 (hg19) VCF-style: chr2-32461397-G-A.
Other names: c.2533C>T, p.His845Tyr (NM_001199139.2, NM_021209.5); c.538C>T, p.His180Tyr (NM_001302504.2); short protein forms H180Y, H845Y.
Identifiers: ClinVar variation 1359237 (VCV001359237.8), dbSNP rs761890286, ClinGen allele CA346521301.
Genomic context (GRCh38, chr2:32,236,328, plus strand): 5'-TTCCATCTTTTTCCAGGTAATTTTCTGATAAATCAAGAATGCTCAGTTTGACCAAATTGT[G>A]AAGATTCTGAGCTGGGGAAAAAAAGTAATCCAAAATAAAAAGATTTTCAGGTAAATATAA-3'
Protein context (NP_001186067.1, residues 835-855): NAVKILAQNL[His845Tyr]NLVKLSILDL

ClinVar aggregate classification (germline): Uncertain significance (1 of 4 stars; one submission).

Conditions:
Familial cold autoinflammatory syndrome 4 (FCAS4). Identifiers: Orphanet 47045, Orphanet 576349, MedGen C4015276, MONDO:0014498, OMIM 616115.
Periodic fever-infantile enterocolitis-autoinflammatory syndrome. Also called: Autoinflammation with infantile enterocolitis. Identifiers: Orphanet 436166, MedGen C4015067, MONDO:0014472, OMIM 616050.

Submission:

Labcorp Genetics (formerly Invitae), Labcorp
Classification: Uncertain significance for Periodic fever-infantile enterocolitis-autoinflammatory syndrome; Familial cold autoinflammatory syndrome 4. Last evaluated: 2022-08-16. Review status: criteria provided, single submitter. Criteria: Invitae Variant Classification Sherloc (09022015). Collection method: clinical testing. Allele origin: germline.
Comment: Algorithms developed to predict the effect of missense changes on protein structure and function (SIFT, PolyPhen-2, Align-GVGD) all suggest that this variant is likely to be tolerated. ClinVar contains an entry for this variant (Variation ID: 1359237). This variant has not been reported in the literature in individuals affected with NLRC4-related conditions. This variant is not present in population databases (gnomAD no frequency). This sequence change replaces histidine, which is basic and polar, with tyrosine, which is neutral and polar, at codon 845 of the NLRC4 protein (p.His845Tyr). In summary, the available evidence is currently insufficient to determine the role of this variant in disease. Therefore, it has been classified as a Variant of Uncertain Significance.